The following is an entry in ClinVar:

ClinVar aggregate classification (germline): Conflicting classifications of pathogenicity. Review status: criteria provided, conflicting classifications (1 of 4 stars). 2 submissions from 2 submitters: Uncertain significance (1); Likely benign (1). Last evaluated 2026-03-06.

Conditions:
Progressive myoclonic epilepsy type 7. Identifiers: Orphanet 435438, MedGen C4015420, MONDO:0014521, OMIM 616187.
Inborn genetic diseases. Identifiers: MedGen C0950123, MeSH D030342.

Allele frequency attached by ClinVar (database versions not stated): gnomAD exomes below 0.00001 and 0.00001; gnomAD 0.00001; TOPMed 0.00002.
gnomAD v4.1: 18 of 1,608,944 alleles (0.0011%); highest among the groups gnomAD compares: Admixed American, 0.005%; no homozygotes.

Submissions (2):

Ambry Genetics
Classification: Uncertain significance for Inborn genetic diseases. Last evaluated: 2026-03-06. Review status: criteria provided, single submitter. Criteria: Ambry Variant Classification Scheme 2023. Collection method: clinical testing. Allele origin: germline.
Comment: The c.1516C>G (p.L506V) alteration is located in exon 2 (coding exon 2) of the KCNC1 gene. This alteration results from a C to G substitution at nucleotide position 1516, causing the leucine (L) at amino acid position 506 to be replaced by a valine (V). Based on data from gnomAD, the G allele has an overall frequency of <0.001% (1/248214) total alleles studied. The highest observed frequency was 0.003% (1/34272) of Latino alleles. Based on insufficient or conflicting evidence, the clinical significance of this alteration remains unclear.

Labcorp Genetics (formerly Invitae), Labcorp
Classification: Likely benign for Progressive myoclonic epilepsy type 7. Last evaluated: 2025-10-26. Review status: criteria provided, single submitter. Criteria: Invitae Variant Classification Sherloc (09022015). Collection method: clinical testing. Allele origin: germline.

NM_001112741.2(KCNC1):c.1504+12C>G

Gene: KCNC1 (potassium voltage-gated channel subfamily C member 1; plus strand). Cytogenetic location: 11p15.1.
Variant type: single nucleotide variant.
Coding change: c.1504+12C>G on transcript NM_001112741.2 (MANE Select); 12 bases into the intron after coding-DNA position 1504, C replaced by G.
Molecular consequence: intron variant. On other transcripts: missense variant (1).
Genome position (GRCh38, 1-based): chr11:17,772,610, C>G. VCF-style: chr11-17772610-C-G. GRCh37 (hg19) VCF-style: chr11-17794157-C-G.
Other names: c.1516C>G, p.Leu506Val (NM_004976.4); short protein forms L506V.
Identifiers: ClinVar variation 1659253 (VCV001659253.9), dbSNP rs1176314990, ClinGen allele CA379810491.